The following is an entry in ClinVar:

ClinVar aggregate classification (germline): Uncertain significance (1 of 4 stars; one submission).

Allele frequency attached by ClinVar (database versions not stated): ExAC 0.00001.

Submission:

Labcorp Genetics (formerly Invitae), Labcorp
Classification: Uncertain significance. Last evaluated: 2024-04-29. Review status: criteria provided, single submitter. Criteria: Invitae Variant Classification Sherloc (09022015). Collection method: clinical testing. Allele origin: germline.
Comment: This sequence change replaces tryptophan, which is neutral and slightly polar, with arginine, which is basic and polar, at codon 3530 of the LRP2 protein (p.Trp3530Arg). This variant is present in population databases (rs757704172, gnomAD 0.007%). This variant has not been reported in the literature in individuals affected with LRP2-related conditions. ClinVar contains an entry for this variant (Variation ID: 2114099). Advanced modeling of protein sequence and biophysical properties (such as structural, functional, and spatial information, amino acid conservation, physicochemical variation, residue mobility, and thermodynamic stability) performed at Invitae indicates that this missense variant is expected to disrupt LRP2 protein function with a positive predictive value of 95%. In summary, the available evidence is currently insufficient to determine the role of this variant in disease. Therefore, it has been classified as a Variant of Uncertain Significance.

NM_004525.3(LRP2):c.10588T>C (p.Trp3530Arg)

Gene: LRP2 (LDL receptor related protein 2; minus strand). Cytogenetic location: 2q31.1.
Variant type: single nucleotide variant.
Coding change: c.10588T>C on transcript NM_004525.3 (MANE Select); coding-DNA position 10588, T replaced by C.
Protein change: p.Trp3530Arg; replaces tryptophan 3530 with arginine.
Molecular consequence: missense variant.
Genome position (GRCh38, 1-based): chr2:169,175,373, A>G on the plus strand (T>C on the coding strand, the complement: LRP2 is on the minus strand). VCF-style: chr2-169175373-A-G. GRCh37 (hg19) VCF-style: chr2-170031883-A-G.
Other names: short protein forms W3530R.
Identifiers: ClinVar variation 2114099 (VCV002114099.4), dbSNP rs757704172, ClinGen allele CA1953294.